The following is an entry in ClinVar:

ClinVar aggregate classification (germline): Uncertain significance (1 of 4 stars; one submission).

Conditions:
Fanconi anemia (FA). Also called: Fanconi's anemia. Identifiers: Orphanet 84, MedGen C0015625, MeSH D005199, MONDO:0019391.

Allele frequency attached by ClinVar (database versions not stated): gnomAD exomes below 0.00001; TOPMed below 0.00001.
gnomAD v4.1: 3 of 1,614,186 alleles (0.00019%); highest among the groups gnomAD compares: Non-Finnish European, 0.00025%; no homozygotes.

Submission:

Labcorp Genetics (formerly Invitae), Labcorp
Classification: Uncertain significance for Fanconi anemia. Last evaluated: 2025-05-12. Review status: criteria provided, single submitter. Criteria: Invitae Variant Classification Sherloc (09022015). Collection method: clinical testing. Allele origin: germline.
Comment: This sequence change falls in intron 4 of the FANCA gene. It does not directly change the encoded amino acid sequence of the FANCA protein. It affects a nucleotide within the consensus splice site. This variant is not present in population databases (gnomAD no frequency). This variant has not been reported in the literature in individuals affected with FANCA-related conditions. ClinVar contains an entry for this variant (Variation ID: 2137785). Variants that disrupt the consensus splice site are a relatively common cause of aberrant splicing (PMID: 17576681, 9536098). Algorithms developed to predict the effect of sequence changes on RNA splicing suggest that this variant may disrupt the consensus splice site. In summary, the available evidence is currently insufficient to determine the role of this variant in disease. Therefore, it has been classified as a Variant of Uncertain Significance.

Literature cited by the submitters: PubMed 17576681; PubMed 9536098.

NM_000135.4(FANCA):c.426+3A>G

Gene: FANCA (FA complementation group A; minus strand). Cytogenetic location: 16q24.3.
Variant type: single nucleotide variant.
Coding change: c.426+3A>G on transcript NM_000135.4 (MANE Select); 3 bases into the intron after coding-DNA position 426, A replaced by G.
Molecular consequence: intron variant.
Genome position (GRCh38, 1-based): chr16:89,810,926, T>C on the plus strand (A>G on the coding strand, the complement: FANCA is on the minus strand). VCF-style: chr16-89810926-T-C. GRCh37 (hg19) VCF-style: chr16-89877334-T-C.
Other names: c.426+3A>G (NM_001286167.3, NM_001351830.2, NM_001018112.3).
Identifiers: ClinVar variation 2137785 (VCV002137785.2), dbSNP rs2040853101, ClinGen allele CA2241938944.